The following is an entry in ClinVar:

ClinVar aggregate classification (germline): Pathogenic/Likely pathogenic. Review status: criteria provided, multiple submitters, no conflicts (2 of 4 stars). 3 submissions from 3 submitters: Pathogenic (2); Likely pathogenic (1). Last evaluated 2024-05-08.

Conditions:
Progressive muscular dystrophy. Identifiers: Orphanet 206644, MedGen C4551827, MONDO:0016106.

Submissions (3):

Myriad Genetics, Inc.
Classification: Pathogenic for Progressive muscular dystrophy. Last evaluated: 2024-05-08. Review status: criteria provided, single submitter. Criteria: Myriad Autosomal Dominant, Autosomal Recessive and X-Linked Classification Criteria (2023). Collection method: clinical testing. Allele origin: unknown.
Comment: NM_004006.2(DMD):c.5089C>T(Q1697*) is expected to be pathogenic in the context of dystrophinopathy (including Duchenne/Becker muscular dystrophy). This variant is predicted to lead to an abnormal or absent protein product due to the creation of a premature termination codon in DMD, a gene where loss-of-function variants are known to be pathogenic. Please note: this variant was assessed in the context of healthy population screening.

Revvity Omics, Revvity
Classification: Likely pathogenic. Last evaluated: 2023-06-15. Review status: criteria provided, single submitter. Criteria: ACMG Guidelines, 2015. Collection method: clinical testing. Allele origin: germline.

Eurofins Ntd Llc (ga)
Classification: Pathogenic. Last evaluated: 2015-08-20. Review status: criteria provided, single submitter. Criteria: EGL Classification Definitions 2015. Collection method: clinical testing. Allele origin: germline. Observed: 2 variant alleles, 1 heterozygote, 1 hemizygote.

NM_004006.3(DMD):c.5089C>T (p.Gln1697Ter)

Gene: DMD (dystrophin; minus strand). Cytogenetic location: Xp21.1.
Variant type: single nucleotide variant.
Coding change: c.5089C>T on transcript NM_004006.3 (MANE Select); coding-DNA position 5089, C replaced by T.
Protein change: p.Gln1697Ter; replaces glutamine 1697 with a stop codon.
Molecular consequence: nonsense.
Genome position (GRCh38, 1-based): chrX:32,364,647, G>A on the plus strand (C>T on the coding strand, the complement: DMD is on the minus strand). VCF-style: chrX-32364647-G-A. GRCh37 (hg19) VCF-style: chrX-32382764-G-A.
Other names: c.5065C>T, p.Gln1689Ter (NM_000109.4); c.5077C>T, p.Gln1693Ter (NM_004009.3); c.4720C>T, p.Gln1574Ter (NM_004010.3); c.1066C>T, p.Gln356Ter (NM_004011.4); c.1057C>T, p.Gln353Ter (NM_004012.4); c.5089C>T (NM_004006.2); short protein forms Q1697*, Q1689*, Q353*, Q1574*, Q1693*, Q356*.
Identifiers: ClinVar variation 282229 (VCV000282229.8), dbSNP rs886042347, ClinGen allele CA10604112.